The following is an entry in ClinVar:

ClinVar aggregate classification (germline): Uncertain significance (1 of 4 stars; one submission).

Conditions:
BAP1-related tumor predisposition syndrome (TPDS1). Also called: COMMON Syndrome; Tumor susceptibility linked to germline BAP1 mutations; TUMOR PREDISPOSITION SYNDROME 1; BAP1 tumor predisposition syndrome. Identifiers: Orphanet 289539, MedGen C3280492, MONDO:0013692, OMIM 614327.

Submission:

Labcorp Genetics (formerly Invitae), Labcorp
Classification: Uncertain significance for BAP1-related tumor predisposition syndrome. Last evaluated: 2024-08-24. Review status: criteria provided, single submitter. Criteria: Invitae Variant Classification Sherloc (09022015). Collection method: clinical testing. Allele origin: germline.
Comment: This sequence change replaces cysteine, which is neutral and slightly polar, with arginine, which is basic and polar, at codon 676 of the BAP1 protein (p.Cys676Arg). This variant is not present in population databases (gnomAD no frequency). This variant has not been reported in the literature in individuals affected with BAP1-related conditions. ClinVar contains an entry for this variant (Variation ID: 412426). Invitae Evidence Modeling of protein sequence and biophysical properties (such as structural, functional, and spatial information, amino acid conservation, physicochemical variation, residue mobility, and thermodynamic stability) indicates that this missense variant is not expected to disrupt BAP1 protein function with a negative predictive value of 80%. In summary, the available evidence is currently insufficient to determine the role of this variant in disease. Therefore, it has been classified as a Variant of Uncertain Significance.

NM_004656.4(BAP1):c.2026T>C (p.Cys676Arg)

Gene: BAP1 (BRCA1 associated deubiquitinase 1; minus strand). Cytogenetic location: 3p21.1.
Variant type: single nucleotide variant.
Coding change: c.2026T>C on transcript NM_004656.4 (MANE Select); coding-DNA position 2026, T replaced by C.
Protein change: p.Cys676Arg; replaces cysteine 676 with arginine.
Molecular consequence: missense variant.
Genome position (GRCh38, 1-based): chr3:52,402,632, A>G on the plus strand (T>C on the coding strand, the complement: BAP1 is on the minus strand). VCF-style: chr3-52402632-A-G. GRCh37 (hg19) VCF-style: chr3-52436648-A-G.
Other names: short protein forms C676R.
Identifiers: ClinVar variation 412426 (VCV000412426.7), dbSNP rs1060503740, ClinGen allele CA16611327.